The following is an entry in ClinVar:

NM_000552.5(VWF):c.3949G>C (p.Ala1317Pro)

Gene: VWF (von Willebrand factor; minus strand). Cytogenetic location: 12p13.31.
Variant type: single nucleotide variant.
Coding change: c.3949G>C on transcript NM_000552.5 (MANE Select); coding-DNA position 3949, G replaced by C.
Protein change: p.Ala1317Pro; replaces alanine 1317 with proline.
Molecular consequence: missense variant.
Genome position (GRCh38, 1-based): chr12:6,019,469, C>G on the plus strand (G>C on the coding strand, the complement: VWF is on the minus strand). VCF-style: chr12-6019469-C-G. GRCh37 (hg19) VCF-style: chr12-6128635-C-G.
Other names: short protein forms A1317P.
Identifiers: ClinVar variation 3769483 (VCV003769483.2).

ClinVar aggregate classification (germline): Uncertain significance (1 of 4 stars; one submission).

Submission:

Women's Health and Genetics/Laboratory Corporation of America, LabCorp
Classification: Uncertain significance. Last evaluated: 2025-01-22. Review status: criteria provided, single submitter. Criteria: LabCorp Variant Classification Summary - May 2015. Collection method: clinical testing. Allele origin: germline.
Comment: Variant summary: VWF c.3949G>C (p.Ala1317Pro) results in a non-conservative amino acid change located in the von Willebrand factor (vWF) type A domain (IPR002035) of the encoded protein sequence. Five of five in-silico tools predict a damaging effect of the variant on protein function. The variant was absent in 250806 control chromosomes. The available data on variant occurrences in the general population are insufficient to allow any conclusion about variant significance. To our knowledge, no occurrence of c.3949G>C in individuals affected with Von Willebrand Disease and no experimental evidence demonstrating its impact on protein function have been reported. No submitters have cited clinical-significance assessments for this variant to ClinVar. Based on the evidence outlined above, the variant was classified as uncertain significance.